The following is an entry in ClinVar:

NM_005236.3(ERCC4):c.1376C>A (p.Ser459Ter)

Gene: ERCC4 (ERCC excision repair 4, endonuclease catalytic subunit; plus strand). Cytogenetic location: 16p13.12.
Variant type: single nucleotide variant.
Coding change: c.1376C>A on transcript NM_005236.3 (MANE Select); coding-DNA position 1376, C replaced by A.
Protein change: p.Ser459Ter; replaces serine 459 with a stop codon.
Molecular consequence: nonsense.
Genome position (GRCh38, 1-based): chr16:13,935,308, C>A. VCF-style: chr16-13935308-C-A. GRCh37 (hg19) VCF-style: chr16-14029165-C-A.
Other names: short protein forms S459*.
Identifiers: ClinVar variation 2928951 (VCV002928951.17), dbSNP rs201179693, ClinGen allele CA7910452.
Genomic context (GRCh38, chr16:13,935,308, plus strand): 5'-CCTTTGAGAAGGATAGCAAAGCTGAAGAAGTCTGGATGAAATTTAGGAAGGAAGACAGTT[C>A]AAAGAGAATTAGGAAATCTCACAAAAGACCTAAAGACCCCCAAAACAAAGAACGGGCTTC-3'

ClinVar aggregate classification (germline): Pathogenic/Likely pathogenic. Review status: criteria provided, multiple submitters, no conflicts (2 of 4 stars). 3 submissions from 3 submitters: Pathogenic (2); Likely pathogenic (1). Last evaluated 2025-12-31.

Conditions:
Xeroderma pigmentosum, group F (XPF). Also called: XERODERMA PIGMENTOSUM, COMPLEMENTATION GROUP F; ERCC4-Related Xeroderma Pigmentosum; XERODERMA PIGMENTOSUM, TYPE F; Xeroderma pigmentosum, type 6; XERODERMA PIGMENTOSUM VI; XP, GROUP F. Identifiers: MedGen C0268140, MONDO:0010215, OMIM 278760.
Cockayne syndrome. Identifiers: Orphanet 191, MedGen C0009207, MONDO:0016006.
Fanconi anemia complementation group Q. Identifiers: Orphanet 84, MedGen C3808988, MONDO:0014108, OMIM 615272.
XFE progeroid syndrome (XFEPS). Also called: XPF-ERCC1 PROGEROID SYNDROME. Identifiers: MedGen C1970416, MONDO:0012590, OMIM 610965.

Allele frequency attached by ClinVar (database versions not stated): ExAC 0.00001; gnomAD exomes 0.00001.
gnomAD v4.1: 10 of 1,613,600 alleles (0.00062%); highest among the groups gnomAD compares: Non-Finnish European, 0.00017%; no homozygotes.

Submissions (3):

Labcorp Genetics (formerly Invitae), Labcorp
Classification: Pathogenic for Fanconi anemia complementation group Q; Xeroderma pigmentosum, group F; Cockayne syndrome. Last evaluated: 2025-12-31. Review status: criteria provided, single submitter. Criteria: Invitae Variant Classification Sherloc (09022015). Collection method: clinical testing. Allele origin: germline.
Comment: This sequence change creates a premature translational stop signal (p.Ser459*) in the ERCC4 gene. It is expected to result in an absent or disrupted protein product. Loss-of-function variants in ERCC4 are known to be pathogenic (PMID: 9580660). This variant is present in population databases (rs201179693, gnomAD 0.02%). This premature translational stop signal has been observed in individual(s) with xeroderma pigmentosum (PMID: 29892709). ClinVar contains an entry for this variant (Variation ID: 2928951). For these reasons, this variant has been classified as Pathogenic.

CeGaT Center for Human Genetics Tuebingen
Classification: Pathogenic. Last evaluated: 2024-12-01. Review status: criteria provided, single submitter. Criteria: CeGaT Center For Human Genetics Tuebingen Variant Classification Criteria Version 2. Collection method: clinical testing. Allele origin: germline. Affected: yes. Observed: 1 variant allele.
Comment: ERCC4: PVS1, PM2

Fulgent Genetics
Classification: Likely pathogenic for Xeroderma pigmentosum, group F; XFE progeroid syndrome; Fanconi anemia complementation group Q. Last evaluated: 2024-04-07. Review status: criteria provided, single submitter. Criteria: ACMG Guidelines, 2015. Collection method: clinical testing. Allele origin: germline.

Literature cited by the submitters: PubMed 9580660 (cited by Labcorp Genetics (formerly Invitae), Labcorp); PubMed 29892709 (cited by Labcorp Genetics (formerly Invitae), Labcorp).